The following is an entry in ClinVar:

ClinVar aggregate classification (germline): Conflicting classifications of pathogenicity. Review status: criteria provided, conflicting classifications (1 of 4 stars). 4 submissions from 4 submitters: Uncertain significance (2); Likely benign (2). Last evaluated 2025-08-09.

Conditions:
TSPEAR-related disorder. Also called: TSPEAR-related condition.
Inborn genetic diseases. Identifiers: MedGen C0950123, MeSH D030342.

Allele frequency attached by ClinVar (database versions not stated): gnomAD exomes 0.00003 and 0.00010; ExAC 0.00026; 1000 Genomes Project 30x 0.00031; 1000 Genomes Project 0.00040; gnomAD 0.00048 and 0.00050; TOPMed 0.00054; ESP Exome Variant Server 0.00077.
gnomAD v4.1: 123 of 1,578,904 alleles (0.0078%); highest among the groups gnomAD compares: African/African-American, 0.14%; no homozygotes.

Submissions (4):

Ambry Genetics
Classification: Uncertain significance for Inborn genetic diseases. Last evaluated: 2025-08-09. Review status: criteria provided, single submitter. Criteria: Ambry Variant Classification Scheme 2023. Collection method: clinical testing. Allele origin: germline.

PreventionGenetics, part of Exact Sciences
Classification: Likely benign for TSPEAR-related condition. Last evaluated: 2025-01-05. Review status: criteria provided, single submitter. Criteria: ACMG Guidelines, 2015. Collection method: clinical testing. Allele origin: germline.
Comment: This variant is classified as likely benign based on ACMG/AMP sequence variant interpretation guidelines (Richards et al. 2015 PMID: 25741868, with internal and published modifications).

Labcorp Genetics (formerly Invitae), Labcorp
Classification: Uncertain significance. Last evaluated: 2023-11-27. Review status: criteria provided, single submitter. Criteria: Invitae Variant Classification Sherloc (09022015). Collection method: clinical testing. Allele origin: germline.
Comment: This sequence change replaces leucine, which is neutral and non-polar, with arginine, which is basic and polar, at codon 660 of the TSPEAR protein (p.Leu660Arg). This variant is present in population databases (rs140818230, gnomAD 0.2%). This variant has not been reported in the literature in individuals affected with TSPEAR-related conditions. ClinVar contains an entry for this variant (Variation ID: 1186484). Advanced modeling of protein sequence and biophysical properties (such as structural, functional, and spatial information, amino acid conservation, physicochemical variation, residue mobility, and thermodynamic stability) performed at Invitae indicates that this missense variant is not expected to disrupt TSPEAR protein function with a negative predictive value of 80%. In summary, the available evidence is currently insufficient to determine the role of this variant in disease. Therefore, it has been classified as a Variant of Uncertain Significance.

GeneDx
Classification: Likely benign. Last evaluated: 2020-10-30. Review status: criteria provided, single submitter. Criteria: GeneDx Variant Classification Process June 2021. Collection method: clinical testing. Allele origin: germline. Affected: yes.

NM_144991.3(TSPEAR):c.1979T>G (p.Leu660Arg)

Gene: TSPEAR (thrombospondin type laminin G domain and EAR repeats; minus strand). Cytogenetic location: 21q22.3.
Variant type: single nucleotide variant.
Coding change: c.1979T>G on transcript NM_144991.3 (MANE Select); coding-DNA position 1979, T replaced by G.
Protein change: p.Leu660Arg; replaces leucine 660 with arginine.
Molecular consequence: missense variant.
Genome position (GRCh38, 1-based): chr21:44,499,814, A>C on the plus strand (T>G on the coding strand, the complement: TSPEAR is on the minus strand). VCF-style: chr21-44499814-A-C. GRCh37 (hg19) VCF-style: chr21-45919697-A-C.
Other names: c.1775T>G, p.Leu592Arg (NM_001272037.2); short protein forms L592R, L660R.
Identifiers: ClinVar variation 1186484 (VCV001186484.9), dbSNP rs140818230, ClinGen allele CA10056236.